The following is an entry in ClinVar:

ClinVar aggregate classification (germline): Pathogenic (1 of 4 stars; one submission).

Conditions:
Capillary malformation-arteriovenous malformation syndrome. Also called: Capillary malformation-arteriovenous malformation. Identifiers: Orphanet 137667, MedGen C1842180, MONDO:0012016.

Submission:

Labcorp Genetics (formerly Invitae), Labcorp
Classification: Pathogenic for Capillary malformation-arteriovenous malformation syndrome. Last evaluated: 2023-03-29. Review status: criteria provided, single submitter. Criteria: Invitae Variant Classification Sherloc (09022015). Collection method: clinical testing. Allele origin: germline.
Comment: This sequence change creates a premature translational stop signal (p.Leu195Serfs*12) in the RASA1 gene. It is expected to result in an absent or disrupted protein product. Loss-of-function variants in RASA1 are known to be pathogenic (PMID: 24038909). This variant is not present in population databases (gnomAD no frequency). This variant has not been reported in the literature in individuals affected with RASA1-related conditions. For these reasons, this variant has been classified as Pathogenic.

Literature cited by the submitters: PubMed 24038909.

NM_002890.3(RASA1):c.583del (p.Leu195fs)

Genes: CCNH (cyclin H; minus strand), RASA1 (RAS p21 protein activator 1; plus strand). Cytogenetic location: 5q14.3.
Variant type: Deletion.
Coding change: c.583del on transcript NM_002890.3 (MANE Select); coding-DNA position 583, one base deleted (C; older notation c.583delC).
Protein change: p.Leu195fs; shifts the reading frame from leucine 195.
Molecular consequence: frameshift variant. On other transcripts: intron variant (1).
Genome position (GRCh38, 1-based): chr5:87,331,391, C deleted; the last of 2 consecutive C bases (chr5:87,331,390-87,331,391); deleting either gives the same sequence. VCF-style (leftmost placement, unchanged base first): chr5-87331389-GC-G. GRCh37 (hg19) VCF-style: chr5-86627206-GC-G.
Other names: c.52del, p.Leu18fs (NM_022650.3); c.934-18595del (NM_001364075.2); short protein forms L18fs, L195fs.
Identifiers: ClinVar variation 2850626 (VCV002850626.3), dbSNP rs2531187256, ClinGen allele CA2739274855.